The following is an entry in ClinVar:

ClinVar aggregate classification (germline): Likely benign. Review status: criteria provided, multiple submitters, no conflicts (2 of 4 stars). 2 submissions from 2 submitters: Likely benign (2). Last evaluated 2024-08-01.

Conditions:
Bethlem myopathy 1A. Also called: MYOPATHY, BENIGN CONGENITAL, WITH CONTRACTURES; Bethlem myopathy 1; Bethlem Muscular Dystrophy. Identifiers: Orphanet 610, MedGen CN029274, MONDO:0024530, OMIM 158810.

Allele frequency attached by ClinVar (database versions not stated): gnomAD 0.00001; gnomAD exomes 0.00001 and 0.00002; ExAC 0.00003.

Submissions (2):

CeGaT Center for Human Genetics Tuebingen
Classification: Likely benign. Last evaluated: 2024-08-01. Review status: criteria provided, single submitter. Criteria: CeGaT Center For Human Genetics Tuebingen Variant Classification Criteria Version 2. Collection method: clinical testing. Allele origin: germline. Affected: yes. Observed: 1 variant allele.
Comment: COL6A2: BP4

Labcorp Genetics (formerly Invitae), Labcorp
Classification: Likely benign for Bethlem myopathy 1A. Last evaluated: 2021-12-20. Review status: criteria provided, single submitter. Criteria: Invitae Variant Classification Sherloc (09022015). Collection method: clinical testing. Allele origin: germline.

NM_001849.4(COL6A2):c.2713C>T (p.Leu905=)

Gene: COL6A2 (collagen type VI alpha 2 chain; plus strand). Cytogenetic location: 21q22.3.
Variant type: single nucleotide variant.
Coding change: c.2713C>T on transcript NM_001849.4 (MANE Select); coding-DNA position 2713, C replaced by T.
Protein change: p.Leu905=; no amino-acid change (leucine 905 retained).
Molecular consequence: synonymous variant.
Genome position (GRCh38, 1-based): chr21:46,132,205, C>T. VCF-style: chr21-46132205-C-T. GRCh37 (hg19) VCF-style: chr21-47552119-C-T.
Identifiers: ClinVar variation 476473 (VCV000476473.25), dbSNP rs753611948, ClinGen allele CA10072987.